The following is an entry in ClinVar:

NM_005592.4(MUSK):c.647G>T (p.Arg216Leu)

Gene: MUSK (muscle associated receptor tyrosine kinase; plus strand). Cytogenetic location: 9q31.3.
Variant type: single nucleotide variant.
Coding change: c.647G>T on transcript NM_005592.4 (MANE Select); coding-DNA position 647, G replaced by T.
Protein change: p.Arg216Leu; replaces arginine 216 with leucine.
Molecular consequence: missense variant. On other transcripts: 5 prime UTR variant (1).
Genome position (GRCh38, 1-based): chr9:110,734,269, G>T. VCF-style: chr9-110734269-G-T. GRCh37 (hg19) VCF-style: chr9-113496549-G-T.
Other names: c.677G>T, p.Arg226Leu (NM_001166280.2); c.647G>T, p.Arg216Leu (NM_001166281.2); c.-590G>T (NM_001369398.1); short protein forms R216L, R226L.
Identifiers: ClinVar variation 1441774 (VCV001441774.6), dbSNP rs188464904, ClinGen allele CA374667727.

ClinVar aggregate classification (germline): Uncertain significance (1 of 4 stars; one submission).

Conditions:
Congenital myasthenic syndrome 9. Also called: Myasthenic syndrome, congenital, 9, associated with acetylcholine receptor deficiency. Identifiers: Orphanet 590, MedGen C4225368, MONDO:0014587, OMIM 616325.
Fetal akinesia deformation sequence 1 (FADS1). Also called: Fetal akinesia sequence; Pena-Shokeir syndrome type I. Identifiers: Orphanet 994, MedGen C1276035, MONDO:0100101, OMIM 208150, HP:0001989.

Submission:

Labcorp Genetics (formerly Invitae), Labcorp
Classification: Uncertain significance for Congenital myasthenic syndrome 9; Fetal akinesia deformation sequence 1. Last evaluated: 2021-08-29. Review status: criteria provided, single submitter. Criteria: Invitae Variant Classification Sherloc (09022015). Collection method: clinical testing. Allele origin: germline.
Comment: In summary, the available evidence is currently insufficient to determine the role of this variant in disease. Therefore, it has been classified as a Variant of Uncertain Significance. Algorithms developed to predict the effect of missense changes on protein structure and function (SIFT, PolyPhen-2, Align-GVGD) all suggest that this variant is likely to be disruptive. This variant has not been reported in the literature in individuals affected with MUSK-related conditions. This variant is not present in population databases (ExAC no frequency). This sequence change replaces arginine with leucine at codon 216 of the MUSK protein (p.Arg216Leu). The arginine residue is highly conserved and there is a moderate physicochemical difference between arginine and leucine.